The following is an entry in ClinVar:

NM_001491.3(GCNT2):c.760dup (p.His254fs)

Gene: GCNT2 (glucosaminyl (N-acetyl) transferase 2 (I blood group); plus strand). Cytogenetic location: 6p24.3.
Variant type: Duplication.
Coding change: c.760dup on transcript NM_001491.3 (MANE Plus Clinical); coding-DNA position 760, one base duplicated (C; older notation c.760dupC).
Protein change: p.His254fs; shifts the reading frame from histidine 254.
Molecular consequence: frameshift variant. On other transcripts: intron variant (2).
Genome position (GRCh38, 1-based): chr6:10,557,183, C duplicated; the last of 7 consecutive C bases (chr6:10,557,177-10,557,183); duplicating any one gives the same sequence. VCF-style (leftmost placement, unchanged base first): chr6-10557176-T-TC. GRCh37 (hg19) VCF-style: chr6-10557409-T-TC.
Other names: c.925+27347dup (NM_145649.5, NM_001374747.1); short protein forms H254fs.
Identifiers: ClinVar variation 4028900 (VCV004028900.1).
Genomic context (GRCh38, chr6:10,557,176, plus strand): 5'-CCAAGAGCACCTGGGCAAAGAGCTTTCCTATGTGATAAGAACAACAGCGTTGAAACCGCC[T>TC]CCCCCCCATAATCTCACAATTTACTTTGGCTCTGCCTATGTGGCTCTATCAAGAGAGTTT-3'

ClinVar aggregate classification (germline): Pathogenic (1 of 4 stars; one submission).

Conditions:
Inborn genetic diseases. Identifiers: MedGen C0950123, MeSH D030342.

Submission:

Ambry Genetics
Classification: Pathogenic for Inborn genetic diseases. Last evaluated: 2025-05-01. Review status: criteria provided, single submitter. Criteria: Ambry Variant Classification Scheme 2023. Collection method: clinical testing. Allele origin: germline.
Comment: The c.760dupC (p.H254Pfs*2) alteration, located in exon 1 (coding exon 1) of the GCNT2 gene, consists of a duplication of C at position 760, causing a translational frameshift with a predicted alternate stop codon after 2 amino acids. This alteration is expected to result in loss of function by premature protein truncation or nonsense-mediated mRNA decay. This variant was not reported in population-based cohorts in the Genome Aggregation Database (gnomAD). Based on the available evidence, this alteration is classified as pathogenic.